The following is an entry in ClinVar:

ClinVar aggregate classification (germline): Uncertain significance (1 of 4 stars; one submission).

Conditions:
Charcot-Marie-Tooth disease type 2. Also called: Charcot-Marie-Tooth type 2. Identifiers: Orphanet 64746, MedGen C0270914, MONDO:0018993.

Allele frequency attached by ClinVar (database versions not stated): gnomAD exomes below 0.00001.
gnomAD v4.1: 7 of 1,614,226 alleles (0.00043%); highest among the groups gnomAD compares: Non-Finnish European, 0.00059%; no homozygotes.

Submission:

Labcorp Genetics (formerly Invitae), Labcorp
Classification: Uncertain significance for Charcot-Marie-Tooth disease type 2. Last evaluated: 2021-04-19. Review status: criteria provided, single submitter. Criteria: Invitae Variant Classification Sherloc (09022015). Collection method: clinical testing. Allele origin: germline.
Comment: In summary, the available evidence is currently insufficient to determine the role of this variant in disease. Therefore, it has been classified as a Variant of Uncertain Significance. Algorithms developed to predict the effect of missense changes on protein structure and function are either unavailable or do not agree on the potential impact of this missense change (SIFT: "Deleterious"; PolyPhen-2: "Probably Damaging"; Align-GVGD: "Class C0"). This variant has not been reported in the literature in individuals with AARS-related conditions. This variant is not present in population databases (ExAC no frequency). This sequence change replaces phenylalanine with leucine at codon 346 of the AARS protein (p.Phe346Leu). The phenylalanine residue is highly conserved and there is a small physicochemical difference between phenylalanine and leucine.

NM_001605.3(AARS1):c.1036T>C (p.Phe346Leu)

Gene: AARS1 (alanyl-tRNA synthetase 1; minus strand). Cytogenetic location: 16q22.1.
Variant type: single nucleotide variant.
Coding change: c.1036T>C on transcript NM_001605.3 (MANE Select); coding-DNA position 1036, T replaced by C.
Protein change: p.Phe346Leu; replaces phenylalanine 346 with leucine.
Molecular consequence: missense variant.
Genome position (GRCh38, 1-based): chr16:70,268,306, A>G on the plus strand (T>C on the coding strand, the complement: AARS1 is on the minus strand). VCF-style: chr16-70268306-A-G. GRCh37 (hg19) VCF-style: chr16-70302209-A-G.
Other names: short protein forms F346L.
Identifiers: ClinVar variation 1682260 (VCV001682260.8), dbSNP rs765790521, ClinGen allele CA283438517.